The following is an entry in ClinVar:

ClinVar aggregate classification (germline): Uncertain significance (1 of 4 stars; one submission).

Conditions:
Wilms tumor 1 (WT1). Also called: Wilms tumor, somatic. Identifiers: Orphanet 654, MedGen CN033288, MONDO:0008679, OMIM 194070.
11p partial monosomy syndrome (WAGR). Also called: WAGR syndrome; CHROMOSOME 11p13 DELETION SYNDROME; WAGR Complex; WAGR Spectrum Disorder. Identifiers: Orphanet 893, MedGen C0206115, MONDO:0008681, OMIM 194072.
Frasier syndrome. Identifiers: Orphanet 347, MedGen C0950122, MeSH D052159, MONDO:0007635, OMIM 136680.
Drash syndrome (DDS). Also called: WILMS TUMOR AND PSEUDO- OR TRUE HERMAPHRODITISM; NEPHROPATHY, WILMS TUMOR, AND GENITAL ANOMALIES. Identifiers: Orphanet 220, MedGen C0950121, MONDO:0008682, OMIM 194080.

Submission:

Labcorp Genetics (formerly Invitae), Labcorp
Classification: Uncertain significance for Wilms tumor 1; Drash syndrome; 11p partial monosomy syndrome; Frasier syndrome. Last evaluated: 2021-12-07. Review status: criteria provided, single submitter. Criteria: Invitae Variant Classification Sherloc (09022015). Collection method: clinical testing. Allele origin: germline.
Comment: This sequence change replaces lysine, which is basic and polar, with arginine, which is basic and polar, at codon 439 of the WT1 protein (p.Lys439Arg). This variant is not present in population databases (gnomAD no frequency). This variant has not been reported in the literature in individuals affected with WT1-related conditions. ClinVar contains an entry for this variant (Variation ID: 1019987). Algorithms developed to predict the effect of missense changes on protein structure and function (SIFT, PolyPhen-2, Align-GVGD) all suggest that this variant is likely to be disruptive. In summary, the available evidence is currently insufficient to determine the role of this variant in disease. Therefore, it has been classified as a Variant of Uncertain Significance.

NM_024426.6(WT1):c.1331A>G (p.Lys444Arg)

Gene: WT1 (WT1 transcription factor; minus strand). Cytogenetic location: 11p13.
Variant type: single nucleotide variant.
Coding change: c.1331A>G on transcript NM_024426.6 (MANE Select); coding-DNA position 1331, A replaced by G.
Protein change: p.Lys444Arg; replaces lysine 444 with arginine.
Molecular consequence: missense variant. On other transcripts: non-coding transcript variant (1).
Genome position (GRCh38, 1-based): chr11:32,392,689, T>C on the plus strand (A>G on the coding strand, the complement: WT1 is on the minus strand). VCF-style: chr11-32392689-T-C. GRCh37 (hg19) VCF-style: chr11-32414235-T-C.
Other names: c.1280A>G, p.Lys427Arg (NM_000378.6, NM_001407045.1, NM_001407049.1); c.680A>G, p.Lys227Arg (NM_001198551.2); c.629A>G, p.Lys210Arg (NM_001198552.2); c.143A>G, p.Lys48Arg (NM_001367854.1); c.1325A>G, p.Lys442Arg (NM_001407044.1); c.1331A>G, p.Lys444Arg (NM_001407046.1, NM_024424.5); c.1208A>G, p.Lys403Arg (NM_001407047.1); c.1157A>G, p.Lys386Arg (NM_001407050.1); and 2 more; short protein forms K210R, K227R, K427R, K444R, K48R, K442R, K190R, K422R.
Identifiers: ClinVar variation 1019987 (VCV001019987.8), dbSNP rs1851852482, ClinGen allele CA379959188.